The following is an entry in ClinVar:

NM_000533.5(PLP1):c.766A>C (p.Thr256Pro)

Genes: RAB9B (RAB9B, member RAS oncogene family; minus strand), PLP1 (proteolipid protein 1; plus strand). Cytogenetic location: Xq22.2.
Variant type: single nucleotide variant.
Coding change: c.766A>C on transcript NM_000533.5 (MANE Select); coding-DNA position 766, A replaced by C.
Protein change: p.Thr256Pro; replaces threonine 256 with proline.
Molecular consequence: missense variant.
Genome position (GRCh38, 1-based): chrX:103,790,530, A>C. VCF-style: chrX-103790530-A-C. GRCh37 (hg19) VCF-style: chrX-103045458-A-C.
Other names: c.766A>C, p.Thr256Pro (NM_001128834.3); c.601A>C, p.Thr201Pro (NM_001305004.1); c.661A>C, p.Thr221Pro (NM_199478.3); short protein forms T256P, T201P, T221P.
Identifiers: ClinVar variation 2758872 (VCV002758872.3), dbSNP rs2522328203, ClinGen allele CA414104813.
Genomic context (GRCh38, chrX:103,790,530, plus strand): 5'-AGGAGGGAGTGCTTTCTTTTCTACTCTCATTCACATTCTCTCTTCTGTTCCCTACAGCTC[A>C]CCTTCATGATTGCTGCCACTTACAACTTTGCCGTCCTTAAACTCATGGGCCGAGGCACCA-3'
Protein context (NP_000524.3, residues 246-266): GAAATLVSLL[Thr256Pro]FMIAATYNFA

ClinVar aggregate classification (germline): Uncertain significance (1 of 4 stars; one submission).

Conditions:
Hereditary spastic paraplegia 2 (SPG2). Also called: SPASTIC PARAPLEGIA 2, X-LINKED; Spastic Paraplegia 2 (SPG2). Identifiers: Orphanet 99015, MedGen C0751604, MONDO:0010733, OMIM 312920.

Submission:

Labcorp Genetics (formerly Invitae), Labcorp
Classification: Uncertain significance for Hereditary spastic paraplegia 2. Last evaluated: 2025-04-21. Review status: criteria provided, single submitter. Criteria: Invitae Variant Classification Sherloc (09022015). Collection method: clinical testing. Allele origin: germline.
Comment: This sequence change replaces threonine, which is neutral and polar, with proline, which is neutral and non-polar, at codon 256 of the PLP1 protein (p.Thr256Pro). This variant is not present in population databases (gnomAD no frequency). This variant has not been reported in the literature in individuals affected with PLP1-related conditions. ClinVar contains an entry for this variant (Variation ID: 2758872). Invitae Evidence Modeling of protein sequence and biophysical properties (such as structural, functional, and spatial information, amino acid conservation, physicochemical variation, residue mobility, and thermodynamic stability) indicates that this missense variant is not expected to disrupt PLP1 protein function with a negative predictive value of 80%. In summary, the available evidence is currently insufficient to determine the role of this variant in disease. Therefore, it has been classified as a Variant of Uncertain Significance.